The following is an entry in ClinVar:

NM_000545.8(HNF1A):c.661C>T (p.Gln221Ter)

Gene: HNF1A (HNF1 homeobox A; plus strand). Cytogenetic location: 12q24.31.
Variant type: single nucleotide variant.
Coding change: c.661C>T on transcript NM_000545.8 (MANE Select); coding-DNA position 661, C replaced by T.
Protein change: p.Gln221Ter; replaces glutamine 221 with a stop codon.
Molecular consequence: nonsense.
Genome position (GRCh38, 1-based): chr12:120,993,654, C>T. VCF-style: chr12-120993654-C-T. GRCh37 (hg19) VCF-style: chr12-121431457-C-T.
Other names: c.661C>T, p.Gln221Ter (NM_001306179.2); short protein forms Q221*.
Identifiers: ClinVar variation 1451668 (VCV001451668.7), dbSNP rs2135839643, ClinGen allele CA386964869.

ClinVar aggregate classification (germline): Pathogenic/Likely pathogenic. Review status: criteria provided, multiple submitters, no conflicts (2 of 4 stars). 2 submissions from 2 submitters: Pathogenic (1); Likely pathogenic (1). Last evaluated 2021-11-23.

Conditions:
Maturity-onset diabetes of the young type 3. Also called: MODY, type III; MODY type 3. Identifiers: Orphanet 552, MedGen C1838100, MeSH C563933, MONDO:0010894, OMIM 600496. Disease mechanism: loss of function.

Submissions (2):

Genetics and Molecular Pathology, SA Pathology
Classification: Likely pathogenic for Maturity-onset diabetes of the young type 3. Last evaluated: 2021-11-23. Review status: criteria provided, single submitter. Criteria: ACMG Guidelines, 2015. Collection method: clinical testing. Allele origin: germline. Inheritance: Autosomal dominant inheritance. Affected: yes.
Comment: The HNF1A c.661C>T variant is a single nucleotide change which is predicted to result in premature termination of the protein product at codon 221 (PVS1). This variant is absent from population databases (PM2). This variant has not been reported in ClinVar or HGMD.

Labcorp Genetics (formerly Invitae), Labcorp
Classification: Pathogenic. Last evaluated: 2021-09-21. Review status: criteria provided, single submitter. Criteria: Invitae Variant Classification Sherloc (09022015). Collection method: clinical testing. Allele origin: germline.
Comment: This sequence change creates a premature translational stop signal (p.Gln221*) in the HNF1A gene. It is expected to result in an absent or disrupted protein product. Loss-of-function variants in HNF1A are known to be pathogenic (PMID: 15928245, 18003757). This variant is not present in population databases (ExAC no frequency). This variant has not been reported in the literature in individuals affected with HNF1A-related conditions. Algorithms developed to predict the effect of sequence changes on RNA splicing suggest that this variant may create or strengthen a splice site. For these reasons, this variant has been classified as Pathogenic.

Literature cited by the submitters: PubMed 15928245 (cited by Labcorp Genetics (formerly Invitae), Labcorp); PubMed 18003757 (cited by Labcorp Genetics (formerly Invitae), Labcorp).